The following is an entry in ClinVar:

NM_000271.5(NPC1):c.881+2T>C

Gene: NPC1 (NPC intracellular cholesterol transporter 1; minus strand). Cytogenetic location: 18q11.2.
Variant type: single nucleotide variant.
Coding change: c.881+2T>C on transcript NM_000271.5 (MANE Select); the canonical splice donor site of the intron after coding-DNA position 881, T replaced by C.
Molecular consequence: splice donor variant.
Genome position (GRCh38, 1-based): chr18:23,560,229, A>G on the plus strand (T>C on the coding strand, the complement: NPC1 is on the minus strand). VCF-style: chr18-23560229-A-G. GRCh37 (hg19) VCF-style: chr18-21140193-A-G.
Identifiers: ClinVar variation 4727697 (VCV004727697.1).
Genomic context (GRCh38, chr18:23,560,229, plus strand): 5'-GCTCAAAGTGCCAGTGGGCAATTTTGCTCTTTTTGCCCTGGATGACAAACAAAACTGCTT[A>G]CCTGTAGCACCACACTGCAAAAAATGCTCCAAAAAACACAAGCAAAAACGCCATGTAGGT-3'

ClinVar aggregate classification (germline): Likely pathogenic (1 of 4 stars; one submission).

Conditions:
Niemann-Pick disease, type C1. Also called: NIEMANN-PICK DISEASE, VARIANT TYPE C1; NEUROVISCERAL STORAGE DISEASE WITH VERTICAL SUPRANUCLEAR OPHTHALMOPLEGIA; NIEMANN-PICK DISEASE WITH CHOLESTEROL ESTERIFICATION BLOCK; NIEMANN-PICK DISEASE WITHOUT SPHINGOMYELINASE DEFICIENCY; NIEMANN-PICK DISEASE, CHRONIC NEURONOPATHIC FORM. Identifiers: Orphanet 646, MedGen C3179455, MONDO:0009757, OMIM 257220.

gnomAD v4.1: 1 of 1,614,102 alleles (0.000062%); highest among the groups gnomAD compares: Non-Finnish European, 0.000085%; no homozygotes.

Submission:

Labcorp Genetics (formerly Invitae), Labcorp
Classification: Likely pathogenic for Niemann-Pick disease, type C1. Last evaluated: 2025-09-23. Review status: criteria provided, single submitter. Criteria: Invitae Variant Classification Sherloc (09022015). Collection method: clinical testing. Allele origin: germline.
Comment: This sequence change affects a donor splice site in intron 6 of the NPC1 gene. It is expected to disrupt RNA splicing. Variants that disrupt the donor or acceptor splice site typically lead to a loss of protein function (PMID: 16199547), and loss-of-function variants in NPC1 are known to be pathogenic (PMID: 9211850). This variant is not present in population databases (gnomAD no frequency). This variant has not been reported in the literature in individuals affected with NPC1-related conditions. Algorithms developed to predict the effect of sequence changes on RNA splicing suggest that this variant may disrupt the consensus splice site. In summary, the currently available evidence indicates that the variant is pathogenic, but additional data are needed to prove that conclusively. Therefore, this variant has been classified as Likely Pathogenic.

Literature cited by the submitters: PubMed 16199547; PubMed 9211850.